The following is an entry in ClinVar:

NM_000065.5(C6):c.1193A>G (p.His398Arg)

Gene: C6 (complement C6; minus strand). Cytogenetic location: 5p13.1.
Variant type: single nucleotide variant.
Coding change: c.1193A>G on transcript NM_000065.5 (MANE Select); coding-DNA position 1193, A replaced by G.
Protein change: p.His398Arg; replaces histidine 398 with arginine.
Molecular consequence: missense variant.
Genome position (GRCh38, 1-based): chr5:41,172,323, T>C on the plus strand (A>G on the coding strand, the complement: C6 is on the minus strand). VCF-style: chr5-41172323-T-C. GRCh37 (hg19) VCF-style: chr5-41172425-T-C.
Other names: c.1193A>G, p.His398Arg (NM_001115131.4); short protein forms H398R.
Identifiers: ClinVar variation 1384816 (VCV001384816.8), dbSNP rs1438175828, ClinGen allele CA359599152.
Genomic context (GRCh38, chr5:41,172,323, plus strand): 5'-TGTTCCACTTTTGTTTTCTTAGCAAATAAAACGCGTTTCTTTGTTTCAATCCTGACACAG[T>C]GTTTGGCTTCTTCCTCGGTTAAACCTAGGAGATGAAGTACAAACAGAAACCACTGAGAAT-3'
Protein context (NP_000056.2, residues 388-408): NSGLTEEEAK[His398Arg]CVRIETKKRV

ClinVar aggregate classification (germline): Uncertain significance (1 of 4 stars; one submission).

Allele frequency attached by ClinVar (database versions not stated): gnomAD exomes below 0.00001 and 0.00001; gnomAD 0.00001 and 0.00002; TOPMed 0.00001.
gnomAD v4.1: 5 of 1,613,482 alleles (0.00031%); highest among the groups gnomAD compares: African/African-American, 0.004%; no homozygotes.

Submission:

Labcorp Genetics (formerly Invitae), Labcorp
Classification: Uncertain significance. Last evaluated: 2020-11-11. Review status: criteria provided, single submitter. Criteria: Invitae Variant Classification Sherloc (09022015). Collection method: clinical testing. Allele origin: germline.
Comment: In summary, the available evidence is currently insufficient to determine the role of this variant in disease. Therefore, it has been classified as a Variant of Uncertain Significance. Algorithms developed to predict the effect of missense changes on protein structure and function (SIFT, PolyPhen-2, Align-GVGD) all suggest that this variant is likely to be tolerated, but these predictions have not been confirmed by published functional studies and their clinical significance is uncertain. This variant has not been reported in the literature in individuals with C6-related conditions. This variant is not present in population databases (ExAC no frequency). This sequence change replaces histidine with arginine at codon 398 of the C6 protein (p.His398Arg). The histidine residue is weakly conserved and there is a small physicochemical difference between histidine and arginine.